The following is an entry in ClinVar:

NM_024675.4(PALB2):c.3454C>A (p.Pro1152Thr)

Gene: PALB2 (partner and localizer of BRCA2; minus strand). Cytogenetic location: 16p12.2.
Variant type: single nucleotide variant.
Coding change: c.3454C>A on transcript NM_024675.4 (MANE Select); coding-DNA position 3454, C replaced by A.
Protein change: p.Pro1152Thr; replaces proline 1152 with threonine.
Molecular consequence: missense variant.
Genome position (GRCh38, 1-based): chr16:23,603,566, G>T on the plus strand (C>A on the coding strand, the complement: PALB2 is on the minus strand). VCF-style: chr16-23603566-G-T. GRCh37 (hg19) VCF-style: chr16-23614887-G-T.
Other names: short protein forms P1152T.
Identifiers: ClinVar variation 1462693 (VCV001462693.9), dbSNP rs2142253457, ClinGen allele CA395138091.

ClinVar aggregate classification (germline): Uncertain significance (1 of 4 stars; one submission).

Conditions:
Familial cancer of breast. Also called: Hereditary breast cancer; hereditary breast carcinoma; BREAST CANCER, FAMILIAL. Identifiers: Orphanet 227535, MedGen C0346153, MONDO:0016419, OMIM 114480. Disease mechanism: loss of function.

Submission:

Labcorp Genetics (formerly Invitae), Labcorp
Classification: Uncertain significance for Familial cancer of breast. Last evaluated: 2020-12-04. Review status: criteria provided, single submitter. Criteria: Invitae Variant Classification Sherloc (09022015). Collection method: clinical testing. Allele origin: germline.
Comment: Algorithms developed to predict the effect of missense changes on protein structure and function are either unavailable or do not agree on the potential impact of this missense change (SIFT: "Tolerated"; PolyPhen-2: "Probably Damaging"; Align-GVGD: "Class C0"). This variant has not been reported in the literature in individuals with PALB2-related conditions. This variant is not present in population databases (ExAC no frequency). This sequence change replaces proline with threonine at codon 1152 of the PALB2 protein (p.Pro1152Thr). The proline residue is highly conserved and there is a small physicochemical difference between proline and threonine. In summary, the available evidence is currently insufficient to determine the role of this variant in disease. Therefore, it has been classified as a Variant of Uncertain Significance.